The following is an entry in ClinVar:

ClinVar aggregate classification (germline): Uncertain significance. Review status: criteria provided, multiple submitters, no conflicts (2 of 4 stars). 2 submissions from 2 submitters: Uncertain significance (2). Last evaluated 2026-04-20.

Conditions:
Glanzmann thrombasthenia. Also called: THROMBASTHENIA OF GLANZMANN AND NAEGELI; Glanzmann's thrombasthenia; PLATELET GLYCOPROTEIN IIb-IIIa DEFICIENCY; Thrombasthenia. Identifiers: Orphanet 849, MedGen C0040015, MONDO:0100326.

gnomAD v4.1: 21 of 1,613,522 alleles (0.0013%); highest among the groups gnomAD compares: Middle Eastern, 0.016%; no homozygotes.

Submissions (2):

Women's Health and Genetics/Laboratory Corporation of America, LabCorp
Classification: Uncertain significance. Last evaluated: 2026-04-20. Review status: criteria provided, single submitter. Criteria: LabCorp Variant Classification Summary - May 2015. Collection method: clinical testing. Allele origin: germline.
Comment: Variant summary: ITGA2B c.859G>A (p.Gly287Ser) results in a non-conservative amino acid change in the encoded protein sequence. Algorithms developed to predict the effect of missense changes on protein structure and function all suggest that this variant is likely to be disruptive. The variant allele was found at a frequency of 4e-06 in 249394 control chromosomes. The available data on variant occurrences in the general population are insufficient to allow any conclusion about variant significance. To our knowledge, no occurrence of c.859G>A in individuals affected with ITGA2B-related conditions and no experimental evidence demonstrating its impact on protein function have been reported. ClinVar contains an entry for this variant (Variation ID: 3710405). Based on the evidence outlined above, the variant was classified as uncertain significance.

Labcorp Genetics (formerly Invitae), Labcorp
Classification: Uncertain significance for Glanzmann thrombasthenia. Last evaluated: 2024-10-03. Review status: criteria provided, single submitter. Criteria: Invitae Variant Classification Sherloc (09022015). Collection method: clinical testing. Allele origin: germline.
Comment: This sequence change replaces glycine, which is neutral and non-polar, with serine, which is neutral and polar, at codon 287 of the ITGA2B protein (p.Gly287Ser). This variant is present in population databases (rs571550200, gnomAD 0.0009%). This variant has not been reported in the literature in individuals affected with ITGA2B-related conditions. An algorithm developed to predict the effect of missense changes on protein structure and function outputs the following: PolyPhen-2: "Possibly Damaging". The serine amino acid residue is found in multiple mammalian species, which suggests that this missense change does not adversely affect protein function. In summary, the available evidence is currently insufficient to determine the role of this variant in disease. Therefore, it has been classified as a Variant of Uncertain Significance.

NM_000419.5(ITGA2B):c.859G>A (p.Gly287Ser)

Gene: ITGA2B (integrin subunit alpha 2b; minus strand). Cytogenetic location: 17q21.31.
Variant type: single nucleotide variant.
Coding change: c.859G>A on transcript NM_000419.5 (MANE Select); coding-DNA position 859, G replaced by A.
Protein change: p.Gly287Ser; replaces glycine 287 with serine.
Molecular consequence: missense variant.
Genome position (GRCh38, 1-based): chr17:44,384,343, C>T on the plus strand (G>A on the coding strand, the complement: ITGA2B is on the minus strand). VCF-style: chr17-44384343-C-T. GRCh37 (hg19) VCF-style: chr17-42461711-C-T.
Other names: short protein forms G287S.
Identifiers: ClinVar variation 3710405 (VCV003710405.3).
Genomic context (GRCh38, chr17:44,384,343, plus strand): 5'-CGGGAGGCCCAGTGGTGGGGGCACTTACCGCTCCCAGGGTCCAGCTCCAAGTGGGGGCAC[C>T]GACGACATATTCTGGCGATAGGGAGAGCCAGGCTCAGGGAATGAGAGCCTTAGAACCTAC-3'
Protein context (NP_000410.2, residues 277-297): GDLNTTEYVV[Gly287Ser]APTWSWTLGA